The following is an entry in ClinVar:

NM_000465.4(BARD1):c.473T>C (p.Val158Ala)

Gene: BARD1 (BRCA1 associated RING domain 1; minus strand). Cytogenetic location: 2q35.
Variant type: single nucleotide variant.
Coding change: c.473T>C on transcript NM_000465.4 (MANE Select); coding-DNA position 473, T replaced by C.
Protein change: p.Val158Ala; replaces valine 158 with alanine.
Molecular consequence: missense variant. On other transcripts: non-coding transcript variant (2), intron variant (3).
Genome position (GRCh38, 1-based): chr2:214,781,401, A>G on the plus strand (T>C on the coding strand, the complement: BARD1 is on the minus strand). VCF-style: chr2-214781401-A-G. GRCh37 (hg19) VCF-style: chr2-215646125-A-G.
Other names: c.416T>C, p.Val139Ala (NM_001282543.2); c.158+28011T>C (NM_001282548.2); c.215+15660T>C (NM_001282545.2); c.364+10896T>C (NM_001282549.2); short protein forms V139A, V158A.
Identifiers: ClinVar variation 4716932 (VCV004716932.1).

ClinVar aggregate classification (germline): Uncertain significance (1 of 4 stars; one submission).

Conditions:
Familial cancer of breast. Also called: hereditary breast carcinoma; BREAST CANCER, FAMILIAL; Hereditary breast cancer. Identifiers: Orphanet 227535, MedGen C0346153, MONDO:0016419, OMIM 114480. Disease mechanism: loss of function.

Submission:

Labcorp Genetics (formerly Invitae), Labcorp
Classification: Uncertain significance for Familial cancer of breast. Last evaluated: 2025-04-09. Review status: criteria provided, single submitter. Criteria: Invitae Variant Classification Sherloc (09022015). Collection method: clinical testing. Allele origin: germline.
Comment: This sequence change replaces valine, which is neutral and non-polar, with alanine, which is neutral and non-polar, at codon 158 of the BARD1 protein (p.Val158Ala). This variant is not present in population databases (gnomAD no frequency). This variant has not been reported in the literature in individuals affected with BARD1-related conditions. An algorithm developed to predict the effect of missense changes on protein structure and function (PolyPhen-2) suggests that this variant is likely to be tolerated. In summary, the available evidence is currently insufficient to determine the role of this variant in disease. Therefore, it has been classified as a Variant of Uncertain Significance.